The following is an entry in ClinVar:

ClinVar aggregate classification (germline): Uncertain significance (1 of 4 stars; one submission).

Conditions:
Long QT syndrome (LQTS). Identifiers: MedGen C0023976, MeSH D008133, MONDO:0002442. Disease mechanism: loss of function. Inheritance: Various modes of inheritance.

Allele frequency attached by ClinVar (database versions not stated): gnomAD exomes below 0.00001.
gnomAD v4.1: 2 of 1,589,880 alleles (0.00013%); highest among the groups gnomAD compares: Non-Finnish European, 0.00017%; no homozygotes.

Submission:

Labcorp Genetics (formerly Invitae), Labcorp
Classification: Uncertain significance for Long QT syndrome. Last evaluated: 2022-09-23. Review status: criteria provided, single submitter. Criteria: Invitae Variant Classification Sherloc (09022015). Collection method: clinical testing. Allele origin: germline.
Comment: This variant has not been reported in the literature in individuals affected with AKAP9-related conditions. This sequence change replaces leucine, which is neutral and non-polar, with isoleucine, which is neutral and non-polar, at codon 1260 of the AKAP9 protein (p.Leu1260Ile). This variant is not present in population databases (gnomAD no frequency). Algorithms developed to predict the effect of missense changes on protein structure and function are either unavailable or do not agree on the potential impact of this missense change (SIFT: "Tolerated"; PolyPhen-2: "Possibly Damaging"; Align-GVGD: "Class C0"). In summary, the available evidence is currently insufficient to determine the role of this variant in disease. Therefore, it has been classified as a Variant of Uncertain Significance.

NM_005751.5(AKAP9):c.3778C>A (p.Leu1260Ile)

Gene: AKAP9 (A-kinase anchoring protein 9; plus strand). Cytogenetic location: 7q21.2.
Variant type: single nucleotide variant.
Coding change: c.3778C>A on transcript NM_005751.5 (MANE Select); coding-DNA position 3778, C replaced by A.
Protein change: p.Leu1260Ile; replaces leucine 1260 with isoleucine.
Molecular consequence: missense variant.
Genome position (GRCh38, 1-based): chr7:92,017,043, C>A. VCF-style: chr7-92017043-C-A. GRCh37 (hg19) VCF-style: chr7-91646357-C-A.
Other names: c.3778C>A, p.Leu1260Ile (NM_147185.3); short protein forms L1260I.
Identifiers: ClinVar variation 1720197 (VCV001720197.5), dbSNP rs2484734049, ClinGen allele CA368127223.